The following is an entry in ClinVar:

NM_000168.6(GLI3):c.4682A>G (p.Asp1561Gly)

Gene: GLI3 (GLI family zinc finger 3; minus strand). Cytogenetic location: 7p14.1.
Variant type: single nucleotide variant.
Coding change: c.4682A>G on transcript NM_000168.6 (MANE Select); coding-DNA position 4682, A replaced by G.
Protein change: p.Asp1561Gly; replaces aspartic acid 1561 with glycine.
Molecular consequence: missense variant.
Genome position (GRCh38, 1-based): chr7:41,964,391, T>C on the plus strand (A>G on the coding strand, the complement: GLI3 is on the minus strand). VCF-style: chr7-41964391-T-C. GRCh37 (hg19) VCF-style: chr7-42003989-T-C.
Other names: short protein forms D1561G.
Identifiers: ClinVar variation 1678693 (VCV001678693.2), dbSNP rs2128704685, ClinGen allele CA367314523.

ClinVar aggregate classification (germline): Uncertain significance (1 of 4 stars; one submission).

Allele frequency attached by ClinVar (database versions not stated): gnomAD exomes below 0.00001.
gnomAD v4.1: 1 of 1,614,108 alleles (0.000062%); no homozygotes.

Submission:

GeneDx
Classification: Uncertain significance. Last evaluated: 2021-10-21. Review status: criteria provided, single submitter. Criteria: GeneDx Variant Classification Process June 2021. Collection method: clinical testing. Allele origin: germline. Affected: yes.
Comment: Not observed at significant frequency in large population cohorts (gnomAD); In silico analysis supports that this missense variant has a deleterious effect on protein structure/function; Has not been previously published as pathogenic or benign to our knowledge